The following is an entry in ClinVar:

ClinVar aggregate classification (germline): Likely pathogenic (1 of 4 stars; one submission).

Conditions:
MYCN-related disorder. Also called: MYCN-related condition.

Submission:

PreventionGenetics, part of Exact Sciences
Classification: Likely pathogenic for MYCN-related condition. Last evaluated: 2024-11-16. Review status: criteria provided, single submitter. Criteria: ACMG Guidelines, 2015. Collection method: clinical testing. Allele origin: germline.
Comment: The MYCN c.1150_1177del28 variant is predicted to result in a frameshift and premature protein termination (p.Arg384Alafs*20). To our knowledge, this variant has not been reported in the literature or in a large population database (gnomAD), indicating this variant is rare. Frameshift variants in MYCN are expected to be pathogenic. This variant is interpreted as likely pathogenic.

NM_005378.6(MYCN):c.1150_1177del (p.Arg384fs)

Gene: MYCN (MYCN proto-oncogene, bHLH transcription factor; plus strand). Cytogenetic location: 2p24.3.
Variant type: Deletion.
Coding change: c.1150_1177del on transcript NM_005378.6 (MANE Select); coding-DNA positions 1150 to 1177, 28 bases deleted (AGAAACCACAACATCCTGGAGCGCCAGC).
Protein change: p.Arg384fs; shifts the reading frame from arginine 384.
Molecular consequence: frameshift variant. On other transcripts: 3 prime UTR variant (1).
Genome position (GRCh38, 1-based): chr2:15,945,852-15,945,879, AGAAACCACAACATCCTGGAGCGCCAGC deleted; deleting any 28 consecutive bases within chr2:15,945,850-15,945,879 gives the same sequence; the c. name uses the placement nearest the transcript's 3' end. VCF-style (leftmost placement, unchanged base first): chr2-15945849-CGCAGAAACCACAACATCCTGGAGCGCCA-C. GRCh37 (hg19) VCF-style: chr2-16085971-CGCAGAAACCACAACATCCTGGAGCGCCA-C.
Other names: c.1150_1177del, p.Arg384fs (NM_001293228.2); c.517_544del, p.Arg173fs (NM_001293231.2); c.*1085_*1112del (NM_001293233.2); short protein forms R173fs, R384fs.
Identifiers: ClinVar variation 4996940 (VCV004996940.1).